The following is an entry in ClinVar:

ClinVar aggregate classification (germline): Benign/Likely benign. Review status: criteria provided, multiple submitters, no conflicts (2 of 4 stars). 7 submissions from 7 submitters: Benign (6); Likely benign (1). Last evaluated 2026-02-04.

Conditions:
Centromeric instability of chromosomes 1,9 and 16 and immunodeficiency (ICF1). Also called: IMMUNE DEFICIENCY, VARIABLE, WITH CENTROMERIC INSTABILITY OF CHROMOSOMES 1, 9, AND 16; IMMUNODEFICIENCY SYNDROME, VARIABLE; CENTROMERIC INSTABILITY, IMMUNODEFICIENCY SYNDROME; Immunodeficiency-centromeric instability-facial anomalies. Identifiers: Orphanet 2268, MedGen C0398788, MONDO:0000133.
Immunodeficiency-centromeric instability-facial anomalies syndrome 1 (ICF1). Identifiers: Orphanet 2268, MedGen C4551557, MONDO:0009454, OMIM 242860.

Allele frequency attached by ClinVar (database versions not stated): ExAC 0.57922; gnomAD exomes 0.58485 and 0.49362; gnomAD 0.59732 and 0.60132; TOPMed 0.62412; 1000 Genomes Project 30x 0.75094; 1000 Genomes Project 0.75579; ESP Exome Variant Server 0.57773.

Submissions (8):

Labcorp Genetics (formerly Invitae), Labcorp
Classification: Benign for Centromeric instability of chromosomes 1,9 and 16 and immunodeficiency. Last evaluated: 2026-02-04. Review status: criteria provided, single submitter. Criteria: Invitae Variant Classification Sherloc (09022015). Collection method: clinical testing. Allele origin: germline.

Blueprint Genetics
Classification: Likely benign. Last evaluated: 2024-11-28. Review status: criteria provided, single submitter. Criteria: ACMG Guidelines, 2015. Collection method: clinical testing. Allele origin: germline.

Mayo Clinic Laboratories, Mayo Clinic
Classification: Benign. Last evaluated: 2022-09-06. Review status: criteria provided, single submitter. Criteria: ACMG Guidelines, 2015. Collection method: clinical testing. Allele origin: germline. Observed: 65 variant alleles.

Genome-Nilou Lab
Classification: Benign for Immunodeficiency-centromeric instability-facial anomalies syndrome 1. Last evaluated: 2021-07-30. Review status: criteria provided, single submitter. Criteria: ACMG Guidelines, 2015. Collection method: clinical testing. Allele origin: germline. Affected: no.

Illumina Laboratory Services, Illumina
Classification: Benign for Immunodeficiency-centromeric instability-facial anomalies syndrome 1. Last evaluated: 2018-01-13. Review status: criteria provided, single submitter. Criteria: ICSL Variant Classification Criteria 13 December 2019. Collection method: clinical testing. Allele origin: germline.
Comment: This variant was observed in the ICSL laboratory as part of a predisposition screen in an ostensibly healthy population. It had not been previously curated by ICSL or reported in the Human Gene Mutation Database (HGMD: prior to June 1st, 2018), and was therefore a candidate for classification through an automated scoring system. Utilizing variant allele frequency, disease prevalence and penetrance estimates, and inheritance mode, an automated score was calculated to assess if this variant is too frequent to cause the disease. Based on the score and internal cut-off values, a variant classified as benign is not then subjected to further curation. The score for this variant resulted in a classification of benign for this disease.

Laboratory for Molecular Medicine, Mass General Brigham Personalized Medicine
Classification: Benign. Last evaluated: 2016-03-29. Review status: criteria provided, single submitter. Criteria: LMM Criteria. Collection method: clinical testing. Allele origin: germline.
Comment: Variant identified in a genome or exome case(s) and assessed due to predicted null impact of the variant or pathogenic assertions in the literature or databases. Disclaimer: This variant has not undergone full assessment. The following are preliminary notes: Frequency

Breakthrough Genomics
Classification: Benign. Review status: criteria provided, single submitter. Criteria: ACMG Guidelines, 2015. Collection method: not provided. Allele origin: germline. Inheritance: Autosomal recessive inheritance. Affected: yes.

Dr. Peter K. Rogan Lab, Western University
No classification provided (evidence only). Condition: Familial cancer of breast. Review status: no classification provided. Collection method: in vitro. Allele origin: not applicable. Functional consequence: retained intron. Not counted in ClinVar's aggregate classification.

NM_006892.4(DNMT3B):c.1674T>C (p.Tyr558=)

Genes: DNMT3B (DNA methyltransferase 3 beta; plus strand), LOC126863014 (CDK7 strongly-dependent group 2 enhancer GRCh37_chr20:31385992-31387191; plus strand). Cytogenetic location: 20q11.21.
Variant type: single nucleotide variant.
Coding change: c.1674T>C on transcript NM_006892.4 (MANE Select); coding-DNA position 1674, T replaced by C.
Protein change: p.Tyr558=; no amino-acid change (tyrosine 558 retained).
Molecular consequence: synonymous variant.
Genome position (GRCh38, 1-based): chr20:32,798,643, T>C. VCF-style: chr20-32798643-T-C. GRCh37 (hg19) VCF-style: chr20-31386449-T-C.
Other names: p.Tyr558=; c.1488T>C, p.Tyr496= (NM_001207055.2); c.1386T>C, p.Tyr462= (NM_001207056.2); c.1614T>C, p.Tyr538= (NM_175848.2, NM_175849.2); c.1650T>C, p.Tyr550= (NM_175850.3).
Identifiers: ClinVar variation 338171 (VCV000338171.24), dbSNP rs2424922, ClinGen allele CA9810656.